The following is an entry in ClinVar:

NM_002292.4(LAMB2):c.1201C>G (p.Leu401Val)

Gene: LAMB2 (laminin subunit beta 2; minus strand). Cytogenetic location: 3p21.31.
Variant type: single nucleotide variant.
Coding change: c.1201C>G on transcript NM_002292.4 (MANE Select); coding-DNA position 1201, C replaced by G.
Protein change: p.Leu401Val; replaces leucine 401 with valine.
Molecular consequence: missense variant.
Genome position (GRCh38, 1-based): chr3:49,130,255, G>C on the plus strand (C>G on the coding strand, the complement: LAMB2 is on the minus strand). VCF-style: chr3-49130255-G-C. GRCh37 (hg19) VCF-style: chr3-49167688-G-C.
Other names: short protein forms L401V.
Identifiers: ClinVar variation 969474 (VCV000969474.8), dbSNP rs148956392, ClinGen allele CA2394672.

ClinVar aggregate classification (germline): Uncertain significance. Review status: criteria provided, multiple submitters, no conflicts (2 of 4 stars). 4 submissions from 4 submitters: Uncertain significance (4). Last evaluated 2024-06-26.

Conditions:
Microscopic hematuria. Also called: Microhematuria. Identifiers: MedGen C0239937, HP:0002907.
Pierson syndrome. Also called: MICROCORIA-CONGENITAL NEPHROTIC SYNDROME. Identifiers: Orphanet 2670, MedGen C1836876, MONDO:0012184, OMIM 609049.
LAMB2-related infantile-onset nephrotic syndrome. Also called: NEPHROTIC SYNDROME, TYPE 5, WITHOUT OCULAR ABNORMALITIES; NEPHROTIC SYNDROME, TYPE 5, WITH OCULAR ABNORMALITIES; Nephrotic Syndrome, type 5. Identifiers: Orphanet 306507, MedGen C3280113, MONDO:0013621, OMIM 614199.
Inborn genetic diseases. Identifiers: MedGen C0950123, MeSH D030342.

Allele frequency attached by ClinVar (database versions not stated): ExAC 0.00007; 1000 Genomes Project 30x 0.00016; ESP Exome Variant Server 0.00031; gnomAD exomes 0.00007; 1000 Genomes Project 0.00020; TOPMed 0.00032.
gnomAD v4.1: 88 of 1,614,238 alleles (0.0055%); highest among the groups gnomAD compares: African/African-American, 0.084%; no homozygotes.

Submissions (4):

Ambry Genetics
Classification: Uncertain significance for Inborn genetic diseases. Last evaluated: 2024-06-26. Review status: criteria provided, single submitter. Criteria: Ambry Variant Classification Scheme 2023. Collection method: clinical testing. Allele origin: germline.

Molecular Genetics McLendon Clinical Laboratories, University of North Carolina at Chapel Hill
Classification: Uncertain significance for Microscopic hematuria. Last evaluated: 2023-03-15. Review status: criteria provided, single submitter. Criteria: ACMG Guidelines, 2015. Collection method: clinical testing. Allele origin: germline.

Labcorp Genetics (formerly Invitae), Labcorp
Classification: Uncertain significance for LAMB2-related infantile-onset nephrotic syndrome; Pierson syndrome. Last evaluated: 2022-08-01. Review status: criteria provided, single submitter. Criteria: Invitae Variant Classification Sherloc (09022015). Collection method: clinical testing. Allele origin: germline.
Comment: This sequence change replaces leucine, which is neutral and non-polar, with valine, which is neutral and non-polar, at codon 401 of the LAMB2 protein (p.Leu401Val). This variant is present in population databases (rs148956392, gnomAD 0.09%). This variant has not been reported in the literature in individuals affected with LAMB2-related conditions. ClinVar contains an entry for this variant (Variation ID: 969474). Algorithms developed to predict the effect of missense changes on protein structure and function are either unavailable or do not agree on the potential impact of this missense change (SIFT: "Deleterious"; PolyPhen-2: "Benign"; Align-GVGD: "Class C0"). Algorithms developed to predict the effect of sequence changes on RNA splicing suggest that this variant may create or strengthen a splice site. In summary, the available evidence is currently insufficient to determine the role of this variant in disease. Therefore, it has been classified as a Variant of Uncertain Significance.

Fulgent Genetics
Classification: Uncertain significance for Pierson syndrome; LAMB2-related infantile-onset nephrotic syndrome. Last evaluated: 2022-05-25. Review status: criteria provided, single submitter. Criteria: ACMG Guidelines, 2015. Collection method: clinical testing. Allele origin: unknown.